The following is an entry in ClinVar:

NM_001267550.2(TTN):c.98524G>A (p.Ala32842Thr)

Genes: TTN (titin; minus strand), TTN-AS1 (TTN antisense RNA 1; plus strand). Cytogenetic location: 2q31.2.
Variant type: single nucleotide variant.
Coding change: c.98524G>A on transcript NM_001267550.2 (MANE Select); coding-DNA position 98524, G replaced by A.
Protein change: p.Ala32842Thr; replaces alanine 32842 with threonine.
Molecular consequence: missense variant. On other transcripts: non-coding transcript variant (1).
Genome position (GRCh38, 1-based): chr2:178,539,541, C>T on the plus strand (G>A on the coding strand, the complement: TTN is on the minus strand). VCF-style: chr2-178539541-C-T. GRCh37 (hg19) VCF-style: chr2-179404268-C-T.
Other names: c.93601G>A, p.Ala31201Thr (NM_001256850.1); c.71329G>A, p.Ala23777Thr (NM_003319.4); c.90820G>A, p.Ala30274Thr (NM_133378.4); c.71704G>A, p.Ala23902Thr (NM_133432.3); c.71905G>A, p.Ala23969Thr (NM_133437.4); short protein forms A30274T, A32842T, A23777T, A31201T, A23902T, A23969T.
Identifiers: ClinVar variation 191838 (VCV000191838.12), dbSNP rs199647622, ClinGen allele CA237668.

ClinVar aggregate classification (germline): Conflicting classifications of pathogenicity. Review status: criteria provided, conflicting classifications (1 of 4 stars). 7 submissions from 7 submitters: Uncertain significance (6); Likely benign (1). Last evaluated 2026-07-13.

Conditions:
TTN-related disorder. Also called: TTN-related condition; TTN-related disease; TTN-related disorders.
Dilated cardiomyopathy 1G (CMD1G). Identifiers: Orphanet 154, MedGen C1858763, MONDO:0011400, OMIM 604145.
Autosomal recessive limb-girdle muscular dystrophy type 2J (LGMDR10). Also called: Limb-girdle muscular dystrophy, type 2J; MUSCULAR DYSTROPHY, LIMB-GIRDLE, AUTOSOMAL RECESSIVE 10. Identifiers: Orphanet 140922, MedGen C1837342, MONDO:0012127, OMIM 608807.

Allele frequency attached by ClinVar (database versions not stated): TOPMed 0.00001; ExAC 0.00003; gnomAD 0.00003.
gnomAD v4.1: 41 of 1,613,652 alleles (0.0025%); highest among the groups gnomAD compares: Admixed American, 0.017%; no homozygotes.

Submissions (7):

PreventionGenetics, part of Exact Sciences
Classification: Uncertain significance for TTN-related condition. Last evaluated: 2026-07-13. Review status: criteria provided, single submitter. Criteria: ACMG Guidelines, 2015. Collection method: clinical testing. Allele origin: germline.
Comment: The TTN c.98524G>A variant is predicted to result in the amino acid substitution p.Ala32842Thr. This amino acid alteration has been reported in an individual from an exome sequencing cohort (Referred to as p.Ala30274Thr in NM_133378, Supplemental Table 3, Ng et al. 2013. PubMed ID: 23861362). This variant is reported in 0.025% of alleles in individuals of Latino descent in gnomAD. At this time, the clinical significance of this variant is uncertain due to the absence of conclusive functional and genetic evidence.

Revvity Omics, Revvity
Classification: Uncertain significance. Last evaluated: 2025-03-13. Review status: criteria provided, single submitter. Criteria: ACMG Guidelines, 2015. Collection method: clinical testing. Allele origin: germline.

Blueprint Genetics
Classification: Likely benign. Last evaluated: 2024-01-31. Review status: criteria provided, single submitter. Criteria: ACMG Guidelines, 2015. Collection method: clinical testing. Allele origin: germline.

Women's Health and Genetics/Laboratory Corporation of America, LabCorp
Classification: Uncertain significance. Last evaluated: 2021-11-15. Review status: criteria provided, single submitter. Criteria: LabCorp Variant Classification Summary - May 2015. Collection method: clinical testing. Allele origin: germline.

Mayo Clinic Laboratories, Mayo Clinic
Classification: Uncertain significance. Last evaluated: 2020-09-02. Review status: criteria provided, single submitter. Criteria: ACMG Guidelines, 2015. Collection method: clinical testing. Allele origin: germline. Observed: 1 variant allele.

Labcorp Genetics (formerly Invitae), Labcorp
Classification: Uncertain significance for Dilated cardiomyopathy 1G; Autosomal recessive limb-girdle muscular dystrophy type 2J. Last evaluated: 2017-06-20. Review status: criteria provided, single submitter. Criteria: Invitae Variant Classification Sherloc (09022015). Collection method: clinical testing. Allele origin: germline.

Biesecker Lab/Clinical Genomics Section, National Institutes of Health
Classification: Uncertain significance. Last evaluated: 2013-06-24. Review status: criteria provided, single submitter. Criteria: Ng et al. (Circ Cardiovasc Genet. 2013). Collection method: research. Allele origin: unknown. Observed: 1 variant allele. Study: ClinSeq.
Comment: The study set was not selected for affection status in relation to any cancer. Pathogenicity categories were based on literature curation. See Pubmed ID:23861362 for details.

Medical sequencing